The following is an entry in ClinVar:

ClinVar aggregate classification (germline): Uncertain significance. Review status: criteria provided, multiple submitters, no conflicts (2 of 4 stars). 2 submissions from 2 submitters: Uncertain significance (2). Last evaluated 2024-01-09.

Conditions:
Developmental and epileptic encephalopathy, 72. Also called: EPILEPTIC ENCEPHALOPATHY, EARLY INFANTILE, 72. Identifiers: MedGen C5193063, MONDO:0032710, OMIM 618374.
Inborn genetic diseases. Identifiers: MedGen C0950123, MeSH D030342.

Allele frequency attached by ClinVar (database versions not stated): gnomAD exomes below 0.00001; gnomAD 0.00001; TOPMed 0.00003.
gnomAD v4.1: 3 of 1,522,860 alleles (0.0002%); highest among the groups gnomAD compares: South Asian, 0.0012%; no homozygotes.

Submissions (2):

Ambry Genetics
Classification: Uncertain significance for Inborn genetic diseases. Last evaluated: 2024-01-09. Review status: criteria provided, single submitter. Criteria: Ambry Variant Classification Scheme 2023. Collection method: clinical testing. Allele origin: germline.

New York Genome Center
Classification: Uncertain significance for Developmental and epileptic encephalopathy, 72. Last evaluated: 2021-08-06. Review status: criteria provided, single submitter. Criteria: NYGC Assertion Criteria 2020. Collection method: clinical testing. Allele origin: germline. Observed: 1 heterozygote. Study: CSER-NYCKidSeq.
Comment: The c.169C>T (p.Pro57Ser) variant identified in the NEUROD2 gene substitutes a moderately conserved Proline for Serine at amino acid 57/383 (exon 2/2). This variant is found with low frequency in gnomAD(v3.1.1)(1 heterozygote, 0 homozygotes; allele frequency:6.58e-6) suggesting it is not a common benign variant in the populations represented in that database. In silico algorithms predict this variant to be Damaging (SIFT; score:0.017) and Benign (REVEL; score:0.2879) to the function of the canonical transcript. This variant is absent from ClinVar and to our current knowledge has not been reported in affected individuals in theliterature. The p.Pro57 residue is not within a mapped domain of NEUROD2 (UniProtKB:Q15784), and to date most missense variants in affected individuals have been reported in the bHLH domain [PMID:34188164] C-terminal to the variant identified here. Given the lack of compelling evidence for its pathogenicity, the c.169C>T(p.Pro57Ser) variant identified in the NEUROD2 gene is reported as a Variant of Uncertain Significance.

NM_006160.4(NEUROD2):c.169C>T (p.Pro57Ser)

Gene: NEUROD2 (neuronal differentiation 2; minus strand). Cytogenetic location: 17q12.
Variant type: single nucleotide variant.
Coding change: c.169C>T on transcript NM_006160.4 (MANE Select); coding-DNA position 169, C replaced by T.
Protein change: p.Pro57Ser; replaces proline 57 with serine.
Molecular consequence: missense variant.
Genome position (GRCh38, 1-based): chr17:39,606,431, G>A on the plus strand (C>T on the coding strand, the complement: NEUROD2 is on the minus strand). VCF-style: chr17-39606431-G-A. GRCh37 (hg19) VCF-style: chr17-37762684-G-A.
Other names: c.169C>T (NM_006160.3); short protein forms P57S.
Identifiers: ClinVar variation 1696587 (VCV001696587.2), dbSNP rs981371381, ClinGen allele CA290434767.
Genomic context (GRCh38, chr17:39,606,431, plus strand): 5'-CTTCCTCCTTGACCTCGGCCAACGTGGCCTCCGTCCCCTCTTCTCCACGGAGAGGGACTG[G>A]CTTGGCCGCCCGGGCTGGCCCCGGAGCCCCTGGCCCGGGCGCAGGCGGTGGCGGTGGCGG-3'
Protein context (NP_006151.3, residues 47-67): GAPGPARAAK[Pro57Ser]VPLRGEEGTE